The following is an entry in ClinVar:

ClinVar aggregate classification (germline): Benign/Likely benign. Review status: criteria provided, multiple submitters, no conflicts (2 of 4 stars). 9 submissions from 9 submitters: Benign (3); Likely benign (6). Last evaluated 2026-01-19.

Conditions:
TSC2-related disorder. Also called: TSC2-related condition; TSC2-Related Disorders.
Hereditary cancer-predisposing syndrome. Also called: Neoplastic Syndromes, Hereditary; Tumor predisposition; Hereditary Cancer Syndrome; Hereditary neoplastic syndrome. Identifiers: Orphanet 140162, MedGen C0027672, MeSH D009386, MONDO:0015356.
Tuberous sclerosis syndrome (TSC). Also called: Tuberous Sclerosis Complex; Tuberous sclerosis. Identifiers: Orphanet 805, MedGen C0041341, MONDO:0001734.
Tuberous sclerosis 2 (TSC2). Identifiers: Orphanet 805, MedGen C1860707, MONDO:0013199, OMIM 613254.

Allele frequency attached by ClinVar (database versions not stated): ExAC 0.00003; TOPMed 0.00003; gnomAD 0.00004; gnomAD exomes 0.00004.
gnomAD v4.1: 56 of 1,612,768 alleles (0.0035%); highest among the groups gnomAD compares: East Asian, 0.02%; no homozygotes.

Submissions (9):

Labcorp Genetics (formerly Invitae), Labcorp
Classification: Likely benign for Tuberous sclerosis 2. Last evaluated: 2026-01-19. Review status: criteria provided, single submitter. Criteria: Invitae Variant Classification Sherloc (09022015). Collection method: clinical testing. Allele origin: germline.

Myriad Genetics, Inc.
Classification: Benign for Tuberous sclerosis 2. Last evaluated: 2025-06-06. Review status: criteria provided, single submitter. Criteria: Myriad Autosomal Dominant, Autosomal Recessive and X-Linked Classification Criteria (2023). Collection method: clinical testing. Allele origin: unknown.
Comment: This variant is considered benign. This variant is a silent/synonymous amino acid change and it is not expected to impact splicing.

Quest Diagnostics Nichols Institute San Juan Capistrano
Classification: Benign. Last evaluated: 2025-05-21. Review status: criteria provided, single submitter. Criteria: Quest Diagnostics criteria. Collection method: clinical testing. Allele origin: unknown.

PreventionGenetics, part of Exact Sciences
Classification: Likely benign for TSC2-related condition. Last evaluated: 2025-01-13. Review status: criteria provided, single submitter. Criteria: ACMG Guidelines, 2015. Collection method: clinical testing. Allele origin: germline.
Comment: This variant is classified as likely benign based on ACMG/AMP sequence variant interpretation guidelines (Richards et al. 2015 PMID: 25741868, with internal and published modifications).

All of Us Research Program, National Institutes of Health
Classification: Likely benign for Tuberous sclerosis syndrome. Last evaluated: 2024-04-16. Review status: criteria provided, single submitter. Criteria: ACMG Guidelines, 2015. Collection method: clinical testing. Allele origin: germline. Inheritance: Autosomal dominant inheritance. Observed: 10 variant alleles, 10 heterozygotes.
Comment: This study involves interpretation of variants in research participants for the purpose of population health screening. Participant phenotype was not available at the time of variant classification. Additional details can be found in publication PMID: 35346344, PMCID: PMC8962531

Color Diagnostics, LLC DBA Color Health
Classification: Likely benign for Tuberous sclerosis syndrome. Last evaluated: 2024-03-28. Review status: criteria provided, single submitter. Criteria: ACMG Guidelines, 2015. Collection method: clinical testing. Allele origin: germline.

Genome-Nilou Lab
Classification: Benign for Tuberous sclerosis 2. Last evaluated: 2021-11-07. Review status: criteria provided, single submitter. Criteria: ACMG Guidelines, 2015. Collection method: clinical testing. Allele origin: germline. Affected: no.

GeneDx
Classification: Likely benign. Last evaluated: 2019-02-21. Review status: criteria provided, single submitter. Criteria: GeneDx Variant Classification Process June 2021. Collection method: clinical testing. Allele origin: germline. Affected: yes.

Ambry Genetics
Classification: Likely benign for Hereditary cancer-predisposing syndrome. Last evaluated: 2015-06-09. Review status: criteria provided, single submitter. Criteria: Ambry Variant Classification Scheme 2023. Collection method: clinical testing. Allele origin: germline.

NM_000548.5(TSC2):c.5307C>T (p.His1769=)

Gene: TSC2 (TSC complex subunit 2; plus strand). Cytogenetic location: 16p13.3.
Variant type: single nucleotide variant.
Coding change: c.5307C>T on transcript NM_000548.5 (MANE Select); coding-DNA position 5307, C replaced by T.
Protein change: p.His1769=; no amino-acid change (histidine 1769 retained).
Molecular consequence: synonymous variant.
Genome position (GRCh38, 1-based): chr16:2,088,493, C>T. VCF-style: chr16-2088493-C-T. GRCh37 (hg19) VCF-style: chr16-2138494-C-T.
Other names: c.5307C>T (NM_000548.4); c.5106C>T, p.His1702= (NM_001077183.3); c.5238C>T, p.His1746= (NM_001114382.3); c.4998C>T, p.His1666= (NM_001318827.2); c.4962C>T, p.His1654= (NM_001318829.2); c.4575C>T, p.His1525= (NM_001318831.2); c.5139C>T, p.His1713= (NM_001318832.2); c.5109C>T, p.His1703= (NM_001363528.2); and 3 more.
Identifiers: ClinVar variation 388362 (VCV000388362.37), dbSNP rs562220073, ClinGen allele CA055008.